The following is an entry in ClinVar:

ClinVar aggregate classification (germline): Uncertain significance (1 of 4 stars; one submission).

Conditions:
Niemann-Pick disease, type C1. Also called: NEUROVISCERAL STORAGE DISEASE WITH VERTICAL SUPRANUCLEAR OPHTHALMOPLEGIA; NIEMANN-PICK DISEASE WITH CHOLESTEROL ESTERIFICATION BLOCK; NIEMANN-PICK DISEASE WITHOUT SPHINGOMYELINASE DEFICIENCY; NIEMANN-PICK DISEASE, CHRONIC NEURONOPATHIC FORM; NIEMANN-PICK DISEASE, VARIANT TYPE C1. Identifiers: Orphanet 646, MedGen C3179455, MONDO:0009757, OMIM 257220.

Submission:

Juno Genomics, Hangzhou Juno Genomics, Inc
Classification: Uncertain significance for Niemann-Pick disease, type C1. Review status: criteria provided, single submitter. Criteria: ACMG Guidelines, 2015. Collection method: clinical testing. Allele origin: germline.
Comment: Absent from controls (or at extremely low frequency if recessive) in Genome Aggregation Database.;Multiple lines of computational evidence support a deleterious effect on the gene or gene product.

NM_000271.5(NPC1):c.3593T>C (p.Val1198Ala)

Gene: NPC1 (NPC intracellular cholesterol transporter 1; minus strand). Cytogenetic location: 18q11.2.
Variant type: single nucleotide variant.
Coding change: c.3593T>C on transcript NM_000271.5 (MANE Select); coding-DNA position 3593, T replaced by C.
Protein change: p.Val1198Ala; replaces valine 1198 with alanine.
Molecular consequence: missense variant.
Genome position (GRCh38, 1-based): chr18:23,533,516, A>G on the plus strand (T>C on the coding strand, the complement: NPC1 is on the minus strand). VCF-style: chr18-23533516-A-G. GRCh37 (hg19) VCF-style: chr18-21113480-A-G.
Other names: short protein forms V1198A.
Identifiers: ClinVar variation 5005870 (VCV005005870.2).
Genomic context (GRCh38, chr18:23,533,516, plus strand): 5'-GATTTGGCAAAAGCCAACACCACAATCCCTCCAAATTTTGTAAGTGTGATTCCACTGAAC[A>G]CCTAAAAGAAGAGATACTGTGTTAGAAACCACTTTTACCAACCTGTAATTGAACAAAAAC-3'
Protein context (NP_000262.2, residues 1188-1208): EEALAHMGSS[Val1198Ala]FSGITLTKFG